The following is an entry in ClinVar:

ClinVar aggregate classification (germline): Uncertain significance (1 of 4 stars; one submission).

Submission:

Labcorp Genetics (formerly Invitae), Labcorp
Classification: Uncertain significance. Last evaluated: 2022-08-15. Review status: criteria provided, single submitter. Criteria: Invitae Variant Classification Sherloc (09022015). Collection method: clinical testing. Allele origin: germline.
Comment: This variant has not been reported in the literature in individuals affected with IL23R-related conditions. Algorithms developed to predict the effect of missense changes on protein structure and function are either unavailable or do not agree on the potential impact of this missense change (SIFT: "Tolerated"; PolyPhen-2: "Possibly Damaging"; Align-GVGD: "Class C0"). Algorithms developed to predict the effect of sequence changes on RNA splicing suggest that this variant may create or strengthen a splice site. In summary, the available evidence is currently insufficient to determine the role of this variant in disease. Therefore, it has been classified as a Variant of Uncertain Significance. This variant is not present in population databases (gnomAD no frequency). This sequence change replaces glutamic acid, which is acidic and polar, with valine, which is neutral and non-polar, at codon 582 of the IL23R protein (p.Glu582Val).

NM_144701.3(IL23R):c.1745A>T (p.Glu582Val)

Gene: IL23R (interleukin 23 receptor; plus strand). Cytogenetic location: 1p31.3.
Variant type: single nucleotide variant.
Coding change: c.1745A>T on transcript NM_144701.3 (MANE Select); coding-DNA position 1745, A replaced by T.
Protein change: p.Glu582Val; replaces glutamic acid 582 with valine.
Molecular consequence: missense variant.
Genome position (GRCh38, 1-based): chr1:67,258,983, A>T. VCF-style: chr1-67258983-A-T. GRCh37 (hg19) VCF-style: chr1-67724666-A-T.
Other names: short protein forms E582V.
Identifiers: ClinVar variation 2072463 (VCV002072463.4), dbSNP rs1295997830, ClinGen allele CA340729478.